The following is an entry in ClinVar:

ClinVar aggregate classification (germline): Benign. Review status: criteria provided, multiple submitters, no conflicts (2 of 4 stars). 9 submissions from 9 submitters: Benign (7). 2 of the submissions do not count toward it. Last evaluated 2026-02-04.

Conditions:
Retinal dystrophy. Also called: Inherited retinal dystrophy. Identifiers: Orphanet 71862, MedGen C0854723, MeSH D058499, MONDO:0019118, HP:0000556.
Retinitis pigmentosa 45 (RP45). Identifiers: Orphanet 791, MedGen C3151066, MONDO:0013413, OMIM 613767.
Retinitis pigmentosa (RP). Identifiers: Orphanet 791, MedGen C0035334, MeSH D012174, MONDO:0019200, OMIM 268000. Inheritance: Autosomal dominant, autosomal recessive and X linked inheritance.

Allele frequency attached by ClinVar (database versions not stated): 1000 Genomes Project 0.75200; 1000 Genomes Project 30x 0.75375; ESP Exome Variant Server 0.75496; TOPMed 0.75616.
gnomAD v4.1: 1,252,974 of 1,609,894 alleles (78%); highest among the groups gnomAD compares: Admixed American, 85%; 489,520 homozygotes.

Submissions (9):

Labcorp Genetics (formerly Invitae), Labcorp
Classification: Benign. Last evaluated: 2026-02-04. Review status: criteria provided, single submitter. Criteria: Invitae Variant Classification Sherloc (09022015). Collection method: clinical testing. Allele origin: germline.

Blueprint Genetics
Classification: Benign. Last evaluated: 2024-11-28. Review status: criteria provided, single submitter. Criteria: ACMG Guidelines, 2015. Collection method: clinical testing. Allele origin: germline.

ARUP Laboratories, Molecular Genetics and Genomics, ARUP Laboratories
Classification: Benign for Retinitis pigmentosa 45. Last evaluated: 2023-11-29. Review status: criteria provided, single submitter. Criteria: ARUP Molecular Germline Variant Investigation Process 2024. Collection method: clinical testing. Allele origin: germline.

Dept Of Ophthalmology, Nagoya University
Classification: Benign for Retinal dystrophy. Last evaluated: 2023-10-01. Review status: criteria provided, single submitter. Criteria: Submitter's publication. Collection method: research. Allele origin: germline. Affected: yes.

Genome-Nilou Lab
Classification: Benign for Retinitis pigmentosa 45. Last evaluated: 2021-07-22. Review status: criteria provided, single submitter. Criteria: ACMG Guidelines, 2015. Collection method: clinical testing. Allele origin: germline. Affected: no.

Illumina Laboratory Services, Illumina
Classification: Benign for Retinitis pigmentosa. Last evaluated: 2018-01-13. Review status: criteria provided, single submitter. Criteria: ICSL Variant Classification Criteria 13 December 2019. Collection method: clinical testing. Allele origin: germline.
Comment: This variant was observed in the ICSL laboratory as part of a predisposition screen in an ostensibly healthy population. It had not been previously curated by ICSL or reported in the Human Gene Mutation Database (HGMD: prior to June 1st, 2018), and was therefore a candidate for classification through an automated scoring system. Utilizing variant allele frequency, disease prevalence and penetrance estimates, and inheritance mode, an automated score was calculated to assess if this variant is too frequent to cause the disease. Based on the score and internal cut-off values, a variant classified as benign is not then subjected to further curation. The score for this variant resulted in a classification of benign for this disease.

Breakthrough Genomics
Classification: Benign. Review status: criteria provided, single submitter. Criteria: ACMG Guidelines, 2015. Collection method: not provided. Allele origin: germline. Inheritance: Autosomal recessive inheritance. Affected: yes.

Diagnostic Laboratory, Department of Genetics, University Medical Center Groningen
Classification: Benign. Review status: no assertion criteria provided. Collection method: clinical testing. Allele origin: germline. Affected: yes. Study: VKGL Data-share Consensus. Not counted in ClinVar's aggregate classification.

Joint Genome Diagnostic Labs from Nijmegen and Maastricht, Radboudumc and MUMC+
Classification: Benign. Review status: no assertion criteria provided. Collection method: clinical testing. Allele origin: germline. Affected: yes. Study: VKGL Data-share Consensus. Not counted in ClinVar's aggregate classification.

NM_001297.5(CNGB1):c.299G>A (p.Arg100His)

Gene: CNGB1 (cyclic nucleotide gated channel subunit beta 1; minus strand). Cytogenetic location: 16q21.
Variant type: single nucleotide variant.
Coding change: c.299G>A on transcript NM_001297.5 (MANE Select); coding-DNA position 299, G replaced by A.
Protein change: p.Arg100His; replaces arginine 100 with histidine.
Molecular consequence: missense variant.
Genome position (GRCh38, 1-based): chr16:57,963,056, C>T on the plus strand (G>A on the coding strand, the complement: CNGB1 is on the minus strand). VCF-style: chr16-57963056-C-T. GRCh37 (hg19) VCF-style: chr16-57996960-C-T.
Other names: c.299G>A, p.Arg100His (NM_001135639.2, NM_001286130.2); short protein forms R100H.
Identifiers: ClinVar variation 320110 (VCV000320110.33), dbSNP rs13336595, ClinGen allele CA8083892.